The following is an entry in ClinVar:

NM_001388492.1(HTT):c.5062A>G (p.Thr1688Ala)

Gene: HTT (huntingtin; plus strand). Cytogenetic location: 4p16.3.
Variant type: single nucleotide variant.
Coding change: c.5062A>G on transcript NM_001388492.1 (MANE Select); coding-DNA position 5062, A replaced by G.
Protein change: p.Thr1688Ala; replaces threonine 1688 with alanine.
Molecular consequence: missense variant.
Genome position (GRCh38, 1-based): chr4:3,187,723, A>G. VCF-style: chr4-3187723-A-G. GRCh37 (hg19) VCF-style: chr4-3189450-A-G.
Other names: c.5068A>G, p.Thr1690Ala (NM_002111.8); short protein forms T1688A, T1690A.
Identifiers: ClinVar variation 1388029 (VCV001388029.6), dbSNP rs558314003, ClinGen allele CA2824626.

ClinVar aggregate classification (germline): Uncertain significance (1 of 4 stars; one submission).

Allele frequency attached by ClinVar (database versions not stated): gnomAD exomes below 0.00001 and 0.00001; ExAC 0.00001; gnomAD 0.00001; TOPMed 0.00001; 1000 Genomes Project 30x 0.00016; 1000 Genomes Project 0.00020.
gnomAD v4.1: 22 of 1,614,194 alleles (0.0014%); highest among the groups gnomAD compares: East Asian, 0.0022%; no homozygotes.

Submission:

Labcorp Genetics (formerly Invitae), Labcorp
Classification: Uncertain significance. Last evaluated: 2021-04-24. Review status: criteria provided, single submitter. Criteria: Invitae Variant Classification Sherloc (09022015). Collection method: clinical testing. Allele origin: germline.
Comment: In summary, the available evidence is currently insufficient to determine the role of this variant in disease. Therefore, it has been classified as a Variant of Uncertain Significance. Experimental studies and prediction algorithms are not available or were not evaluated, and the functional significance of this variant is currently unknown. This variant has not been reported in the literature in individuals with HTT-related conditions. This variant is present in population databases (rs558314003, ExAC 0.01%). This sequence change replaces threonine with alanine at codon 1690 of the HTT protein (p.Thr1690Ala). The threonine residue is highly conserved and there is a small physicochemical difference between threonine and alanine.